The following is an entry in ClinVar:

ClinVar aggregate classification (germline): Uncertain significance (1 of 4 stars; one submission).

Allele frequency attached by ClinVar (database versions not stated): gnomAD exomes below 0.00001.
gnomAD v4.1: 1 of 1,614,024 alleles (0.000062%); no homozygotes.

Submission:

Labcorp Genetics (formerly Invitae), Labcorp
Classification: Uncertain significance. Last evaluated: 2021-09-29. Review status: criteria provided, single submitter. Criteria: Invitae Variant Classification Sherloc (09022015). Collection method: clinical testing. Allele origin: germline.
Comment: In summary, the available evidence is currently insufficient to determine the role of this variant in disease. Therefore, it has been classified as a Variant of Uncertain Significance. Algorithms developed to predict the effect of missense changes on protein structure and function (SIFT, PolyPhen-2, Align-GVGD) all suggest that this variant is likely to be tolerated. This variant has not been reported in the literature in individuals affected with POLE-related conditions. This variant is not present in population databases (ExAC no frequency). This sequence change replaces glutamine with arginine at codon 88 of the POLE protein (p.Gln88Arg). The glutamine residue is moderately conserved and there is a small physicochemical difference between glutamine and arginine.

NM_006231.4(POLE):c.263A>G (p.Gln88Arg)

Gene: POLE (DNA polymerase epsilon, catalytic subunit; minus strand). Cytogenetic location: 12q24.33.
Variant type: single nucleotide variant.
Coding change: c.263A>G on transcript NM_006231.4 (MANE Select); coding-DNA position 263, A replaced by G.
Protein change: p.Gln88Arg; replaces glutamine 88 with arginine.
Molecular consequence: missense variant.
Genome position (GRCh38, 1-based): chr12:132,680,629, T>C on the plus strand (A>G on the coding strand, the complement: POLE is on the minus strand). VCF-style: chr12-132680629-T-C. GRCh37 (hg19) VCF-style: chr12-133257215-T-C.
Other names: short protein forms Q88R.
Identifiers: ClinVar variation 1428004 (VCV001428004.6), dbSNP rs1343832345, ClinGen allele CA387369101.